The following is an entry in ClinVar:

NC_000005.10:g.7869040G>A

Gene: MTRR (5-methyltetrahydrofolate-homocysteine methyltransferase reductase; plus strand). Cytogenetic location: 5p15.31.
Variant type: single nucleotide variant.
Genome position: GRCh38 VCF-style: chr5-7869040-G-A. GRCh37 (hg19) VCF-style: chr5-7869153-G-A.
Identifiers: ClinVar variation 1700715 (VCV001700715.3), dbSNP rs142579733, ClinGen allele CA3195358.

ClinVar aggregate classification (germline): Likely benign (1 of 4 stars; one submission).

Allele frequency attached by ClinVar (database versions not stated): 1000 Genomes Project 30x 0.00187; 1000 Genomes Project 0.00220; TOPMed 0.00436; gnomAD exomes 0.00551 and 0.00730; gnomAD 0.00560 and 0.00577; ESP Exome Variant Server 0.00645; ExAC 0.00660.
gnomAD v4.1: 10,415 of 1,467,692 alleles (0.71%); highest among the groups gnomAD compares: Non-Finnish European, 0.85%; 50 homozygotes.

Submission:

GeneDx
Classification: Likely benign. Last evaluated: 2022-02-10. Review status: criteria provided, single submitter. Criteria: GeneDx Variant Classification Process June 2021. Collection method: clinical testing. Allele origin: germline. Affected: yes.
Comment: See Variant Classification Assertion Criteria.